The following is an entry in ClinVar:

NM_000540.3(RYR1):c.11812G>A (p.Gly3938Ser)

Gene: RYR1 (ryanodine receptor 1; plus strand). Cytogenetic location: 19q13.2.
Variant type: single nucleotide variant.
Coding change: c.11812G>A on transcript NM_000540.3 (MANE Select); coding-DNA position 11812, G replaced by A.
Protein change: p.Gly3938Ser; replaces glycine 3938 with serine.
Molecular consequence: missense variant.
Genome position (GRCh38, 1-based): chr19:38,543,565, G>A. VCF-style: chr19-38543565-G-A. GRCh37 (hg19) VCF-style: chr19-39034205-G-A.
Other names: c.11797G>A, p.Gly3933Ser (NM_001042723.2); short protein forms G3933S, G3938S.
Identifiers: ClinVar variation 3072349 (VCV003072349.2), dbSNP rs1478501182, ClinGen allele CA405661795.

ClinVar aggregate classification (germline): Uncertain significance (1 of 4 stars; one submission).

Conditions:
Malignant hyperthermia, susceptibility to, 1 (MHS1). Also called: Anesthesia related hyperthermia; Malignant hyperpyrexia; Fulminating hyperpyrexia; Pharmacogenic myopathy; RYR1-Related Malignant Hyperthermia Susceptibility; Malignant hyperthermia suceptibility 1. Identifiers: Orphanet 423, MedGen C2930980, MONDO:0007783, OMIM 145600.

Submission:

All of Us Research Program, National Institutes of Health
Classification: Uncertain significance for Malignant hyperthermia, susceptibility to, 1. Last evaluated: 2024-05-30. Review status: criteria provided, single submitter. Criteria: ACMG Guidelines, 2015. Collection method: clinical testing. Allele origin: germline. Inheritance: Autosomal dominant inheritance. Observed: 3 variant alleles, 3 heterozygotes.
Comment: This missense variant replaces glycine with serine at codon 3938 of the RYR1 protein. Computational prediction is inconclusive regarding the impact of this variant on protein structure and function (internally defined REVEL score threshold 0.5 < inconclusive < 0.7, PMID: 27666373). To our knowledge, functional studies have not been reported for this variant. This variant has not been reported in individuals affected with RYR1-related disorders in the literature. This variant has not been identified in the general population by the Genome Aggregation Database (gnomAD). The available evidence is insufficient to determine the role of this variant in disease conclusively. Therefore, this variant is classified as a Variant of Uncertain Significance.

This study involves interpretation of variants in research participants for the purpose of population health screening. Participant phenotype was not available at the time of variant classification. Additional details can be found in publication PMID: 35346344, PMCID: PMC8962531